The following is an entry in ClinVar:

ClinVar aggregate classification (germline): Likely benign (1 of 4 stars; one submission).

gnomAD v4.1: 3 of 1,612,594 alleles (0.00019%); highest among the groups gnomAD compares: Admixed American, 0.0017%; no homozygotes.

Submission:

CeGaT Center for Human Genetics Tuebingen
Classification: Likely benign. Last evaluated: 2024-10-01. Review status: criteria provided, single submitter. Criteria: CeGaT Center For Human Genetics Tuebingen Variant Classification Criteria Version 2. Collection method: clinical testing. Allele origin: germline. Affected: yes. Observed: 1 variant allele.
Comment: NBEA: BP1, BP5

NM_001385012.1(NBEA):c.191C>T (p.Ser64Leu)

Gene: NBEA (neurobeachin; plus strand). Cytogenetic location: 13q13.3.
Variant type: single nucleotide variant.
Coding change: c.191C>T on transcript NM_001385012.1 (MANE Select); coding-DNA position 191, C replaced by T.
Protein change: p.Ser64Leu; replaces serine 64 with leucine.
Molecular consequence: missense variant.
Genome position (GRCh38, 1-based): chr13:34,943,011, C>T. VCF-style: chr13-34943011-C-T. GRCh37 (hg19) VCF-style: chr13-35517148-C-T.
Other names: c.191C>T, p.Ser64Leu (NM_001379245.1, NM_015678.5); short protein forms S64L.
Identifiers: ClinVar variation 3388846 (VCV003388846.14).